The following is an entry in ClinVar:

NM_000553.6(WRN):c.2335C>G (p.Gln779Glu)

Gene: WRN (WRN RecQ like helicase; plus strand). Cytogenetic location: 8p12.
Variant type: single nucleotide variant.
Coding change: c.2335C>G on transcript NM_000553.6 (MANE Select); coding-DNA position 2335, C replaced by G.
Protein change: p.Gln779Glu; replaces glutamine 779 with glutamic acid.
Molecular consequence: missense variant.
Genome position (GRCh38, 1-based): chr8:31,116,415, C>G. VCF-style: chr8-31116415-C-G. GRCh37 (hg19) VCF-style: chr8-30973931-C-G.
Other names: short protein forms Q779E.
Identifiers: ClinVar variation 1972088 (VCV001972088.5), dbSNP rs992936190, ClinGen allele CA174880177.

ClinVar aggregate classification (germline): Uncertain significance (1 of 4 stars; one submission).

Conditions:
Werner syndrome (WRN). Identifiers: Orphanet 902, MedGen C0043119, MONDO:0010196, OMIM 277700.

Allele frequency attached by ClinVar (database versions not stated): gnomAD exomes below 0.00001.
gnomAD v4.1: 2 of 1,613,966 alleles (0.00012%); highest among the groups gnomAD compares: Non-Finnish European, 0.00017%; no homozygotes.

Submission:

Labcorp Genetics (formerly Invitae), Labcorp
Classification: Uncertain significance for Werner syndrome. Last evaluated: 2022-02-17. Review status: criteria provided, single submitter. Criteria: Invitae Variant Classification Sherloc (09022015). Collection method: clinical testing. Allele origin: germline.
Comment: In summary, the available evidence is currently insufficient to determine the role of this variant in disease. Therefore, it has been classified as a Variant of Uncertain Significance. Algorithms developed to predict the effect of missense changes on protein structure and function output the following: SIFT: "Not Available"; PolyPhen-2: "Benign"; Align-GVGD: "Not Available". The glutamic acid amino acid residue is found in multiple mammalian species, which suggests that this missense change does not adversely affect protein function. This variant has not been reported in the literature in individuals affected with WRN-related conditions. This variant is not present in population databases (gnomAD no frequency). This sequence change replaces glutamine, which is neutral and polar, with glutamic acid, which is acidic and polar, at codon 779 of the WRN protein (p.Gln779Glu).